The following is an entry in ClinVar:

ClinVar aggregate classification (germline): Uncertain significance (1 of 4 stars; one submission).

Conditions:
Noonan syndrome 9 (NS9). Identifiers: Orphanet 648, MedGen C4225282, MONDO:0014691, OMIM 616559.

Submission:

Labcorp Genetics (formerly Invitae), Labcorp
Classification: Uncertain significance for Noonan syndrome 9. Last evaluated: 2022-10-19. Review status: criteria provided, single submitter. Criteria: Invitae Variant Classification Sherloc (09022015). Collection method: clinical testing. Allele origin: germline.
Comment: This sequence change replaces threonine, which is neutral and polar, with proline, which is neutral and non-polar, at codon 787 of the SOS2 protein (p.Thr787Pro). In summary, the available evidence is currently insufficient to determine the role of this variant in disease. Therefore, it has been classified as a Variant of Uncertain Significance. Advanced modeling of protein sequence and biophysical properties (such as structural, functional, and spatial information, amino acid conservation, physicochemical variation, residue mobility, and thermodynamic stability) performed at Invitae indicates that this missense variant is expected to disrupt SOS2 protein function. This variant has not been reported in the literature in individuals affected with SOS2-related conditions. This variant is not present in population databases (gnomAD no frequency).

NM_006939.4(SOS2):c.2359A>C (p.Thr787Pro)

Gene: SOS2 (SOS Ras/Rho guanine nucleotide exchange factor 2; minus strand). Cytogenetic location: 14q21.3.
Variant type: single nucleotide variant.
Coding change: c.2359A>C on transcript NM_006939.4 (MANE Select); coding-DNA position 2359, A replaced by C.
Protein change: p.Thr787Pro; replaces threonine 787 with proline.
Molecular consequence: missense variant.
Genome position (GRCh38, 1-based): chr14:50,150,033, T>G on the plus strand (A>C on the coding strand, the complement: SOS2 is on the minus strand). VCF-style: chr14-50150033-T-G. GRCh37 (hg19) VCF-style: chr14-50616751-T-G.
Other names: c.2260A>C, p.Thr754Pro (NM_001411020.1); short protein forms T754P, T787P.
Identifiers: ClinVar variation 1720542 (VCV001720542.6), dbSNP rs2502941564, ClinGen allele CA389643636.